The following is an entry in ClinVar:

NM_005751.5(AKAP9):c.1159G>T (p.Glu387Ter)

Gene: AKAP9 (A-kinase anchoring protein 9; plus strand). Cytogenetic location: 7q21.2.
Variant type: single nucleotide variant.
Coding change: c.1159G>T on transcript NM_005751.5 (MANE Select); coding-DNA position 1159, G replaced by T.
Protein change: p.Glu387Ter; replaces glutamic acid 387 with a stop codon.
Molecular consequence: nonsense.
Genome position (GRCh38, 1-based): chr7:92,001,076, G>T. VCF-style: chr7-92001076-G-T. GRCh37 (hg19) VCF-style: chr7-91630390-G-T.
Other names: c.1159G>T, p.Glu387Ter (NM_147185.3); short protein forms E387*.
Identifiers: ClinVar variation 3643448 (VCV003643448.2).

ClinVar aggregate classification (germline): Uncertain significance (1 of 4 stars; one submission).

Conditions:
Long QT syndrome (LQTS). Identifiers: MedGen C0023976, MeSH D008133, MONDO:0002442. Disease mechanism: loss of function. Inheritance: Various modes of inheritance.

Submission:

Labcorp Genetics (formerly Invitae), Labcorp
Classification: Uncertain significance for Long QT syndrome. Last evaluated: 2025-02-06. Review status: criteria provided, single submitter. Criteria: Invitae Variant Classification Sherloc (09022015). Collection method: clinical testing. Allele origin: germline.
Comment: This sequence change creates a premature translational stop signal (p.Glu387*) in the AKAP9 gene. It is expected to result in an absent or disrupted protein product. However, the current clinical and genetic evidence is not sufficient to establish whether loss-of-function variants in AKAP9 cause disease. This variant is not present in population databases (gnomAD no frequency). This variant has not been reported in the literature in individuals affected with AKAP9-related conditions. In summary, the available evidence is currently insufficient to determine the role of this variant in disease. Therefore, it has been classified as a Variant of Uncertain Significance.